The following is an entry in ClinVar:

ClinVar aggregate classification (germline): Uncertain significance. Review status: criteria provided, multiple submitters, no conflicts (2 of 4 stars). 2 submissions from 2 submitters: Uncertain significance (2). Last evaluated 2023-10-23.

Conditions:
Hereditary cancer-predisposing syndrome. Also called: Hereditary neoplastic syndrome; Hereditary Cancer Syndrome; Tumor predisposition; Neoplastic Syndromes, Hereditary. Identifiers: Orphanet 140162, MedGen C0027672, MeSH D009386, MONDO:0015356.
Rhabdoid tumor predisposition syndrome 2 (RTPS2). Identifiers: Orphanet 231108, Orphanet 69077, MedGen C2750074, MONDO:0013224, OMIM 613325.

Submissions (2):

Ambry Genetics
Classification: Uncertain significance for Hereditary cancer-predisposing syndrome. Last evaluated: 2023-10-23. Review status: criteria provided, single submitter. Criteria: Ambry Variant Classification Scheme 2023. Collection method: clinical testing. Allele origin: germline.
Comment: The p.G360V variant (also known as c.1079G>T), located in coding exon 5 of the SMARCA4 gene, results from a G to T substitution at nucleotide position 1079. The glycine at codon 360 is replaced by valine, an amino acid with dissimilar properties. This amino acid position is highly conserved in available vertebrate species. In addition, this alteration is predicted to be deleterious by in silico analysis. Since supporting evidence is limited at this time, the clinical significance of this alteration remains unclear.

Labcorp Genetics (formerly Invitae), Labcorp
Classification: Uncertain significance for Rhabdoid tumor predisposition syndrome 2. Last evaluated: 2022-05-06. Review status: criteria provided, single submitter. Criteria: Invitae Variant Classification Sherloc (09022015). Collection method: clinical testing. Allele origin: germline.
Comment: This variant is not present in population databases (gnomAD no frequency). This sequence change replaces glycine, which is neutral and non-polar, with valine, which is neutral and non-polar, at codon 360 of the SMARCA4 protein (p.Gly360Val). Algorithms developed to predict the effect of missense changes on protein structure and function (SIFT, PolyPhen-2, Align-GVGD) all suggest that this variant is likely to be disruptive. This variant has not been reported in the literature in individuals affected with SMARCA4-related conditions. In summary, the available evidence is currently insufficient to determine the role of this variant in disease. Therefore, it has been classified as a Variant of Uncertain Significance.

NM_003072.5(SMARCA4):c.1079G>T (p.Gly360Val)

Gene: SMARCA4 (SWI/SNF related BAF chromatin remodeling complex subunit ATPase 4; plus strand). Cytogenetic location: 19p13.2.
Variant type: single nucleotide variant.
Coding change: c.1079G>T on transcript NM_003072.5 (MANE Select); coding-DNA position 1079, G replaced by T.
Protein change: p.Gly360Val; replaces glycine 360 with valine.
Molecular consequence: missense variant. On other transcripts: non-coding transcript variant (1).
Genome position (GRCh38, 1-based): chr19:10,987,885, G>T. VCF-style: chr19-10987885-G-T. GRCh37 (hg19) VCF-style: chr19-11098561-G-T.
Other names: c.1079G>T, p.Gly360Val (NM_001128844.3, NM_001128845.2, NM_001128846.2 and 6 more transcripts); c.1079G>T (NM_001128849.1); short protein forms G360V.
Identifiers: ClinVar variation 2134713 (VCV002134713.5), dbSNP rs1555755289, ClinGen allele CA404058820.